The following is an entry in ClinVar:

ClinVar aggregate classification (germline): Uncertain significance (1 of 4 stars; one submission).

Conditions:
Inborn genetic diseases. Identifiers: MedGen C0950123, MeSH D030342.

Allele frequency attached by ClinVar (database versions not stated): gnomAD exomes below 0.00001.

Submission:

Ambry Genetics
Classification: Uncertain significance for Inborn genetic diseases. Last evaluated: 2020-04-16. Review status: criteria provided, single submitter. Criteria: Ambry Variant Classification Scheme 2023. Collection method: clinical testing. Allele origin: germline.
Comment: The alteration results in an amino acid change:_x000D_ _x000D_ The c.2134C>T (p.P712S) alteration is located in coding exon 14 of the MED12L gene. This alteration results from a C to T substitution at nucleotide position 2134, causing the proline (P) at amino acid position 712 to be replaced by a serine (S). The alteration is not observed in population databases: _x000D_ _x000D_ Based on data from the Genome Aggregation Database (gnomAD), the MED12L c.2134C>T alteration was not observed, with coverage at this position. The altered amino acid is conserved throughout evolution:_x000D_ _x000D_ The p.P712 amino acid is conserved in available vertebrate species. The alteration is predicted inconclusive by in silico modeling:_x000D_ _x000D_ The in silico prediction for the p.P712S alteration is inconclusive. Based on insufficient or conflicting evidence, the clinical significance of this alteration remains unclear.

NM_001393769.1(MED12L):c.2239C>T (p.Pro747Ser)

Gene: MED12L (mediator complex subunit 12L; plus strand). Cytogenetic location: 3q25.1.
Variant type: single nucleotide variant.
Coding change: c.2239C>T on transcript NM_001393769.1 (MANE Select); coding-DNA position 2239, C replaced by T.
Protein change: p.Pro747Ser; replaces proline 747 with serine.
Molecular consequence: missense variant.
Genome position (GRCh38, 1-based): chr3:151,193,655, C>T. VCF-style: chr3-151193655-C-T. GRCh37 (hg19) VCF-style: chr3-150911442-C-T.
Other names: c.2134C>T, p.Pro712Ser (NM_053002.6); short protein forms P712S, P747S.
Identifiers: ClinVar variation 986175 (VCV000986175.4), dbSNP rs1724264641, ClinGen allele CA354962072.
Genomic context (GRCh38, chr3:151,193,655, plus strand): 5'-GAATTAATTTTTCCATCTAATTATGACCTCCTTCGCCACTTACAGTATGCAACACATTTT[C>T]CTATACCTCTGGTAAGTCATTGCTTCAGTTAATCTATACCCTGATTATTTTATTATAAGA-3'
Protein context (NP_001380698.1, residues 737-757): LRHLQYATHF[Pro747Ser]IPLDESSSHE